The following is an entry in ClinVar:

ClinVar aggregate classification (germline): Uncertain significance (1 of 4 stars; one submission).

Submission:

Labcorp Genetics (formerly Invitae), Labcorp
Classification: Uncertain significance. Last evaluated: 2024-05-23. Review status: criteria provided, single submitter. Criteria: Invitae Variant Classification Sherloc (09022015). Collection method: clinical testing. Allele origin: germline.
Comment: This sequence change replaces methionine, which is neutral and non-polar, with isoleucine, which is neutral and non-polar, at codon 201 of the TMEM199 protein (p.Met201Ile). This variant is not present in population databases (gnomAD no frequency). This variant has not been reported in the literature in individuals affected with TMEM199-related conditions. An algorithm developed to predict the effect of missense changes on protein structure and function (PolyPhen-2) suggests that this variant is likely to be tolerated. In summary, the available evidence is currently insufficient to determine the role of this variant in disease. Therefore, it has been classified as a Variant of Uncertain Significance.

NM_152464.3(VMA12):c.603G>C (p.Met201Ile)

Gene: VMA12 (vacuolar ATPase assembly factor VMA12; plus strand). Cytogenetic location: 17q11.2.
Variant type: single nucleotide variant.
Coding change: c.603G>C on transcript NM_152464.3 (MANE Select); coding-DNA position 603, G replaced by C.
Protein change: p.Met201Ile; replaces methionine 201 with isoleucine.
Molecular consequence: missense variant.
Genome position (GRCh38, 1-based): chr17:28,361,228, G>C. VCF-style: chr17-28361228-G-C. GRCh37 (hg19) VCF-style: chr17-26688250-G-C.
Other names: short protein forms M201I.
Identifiers: ClinVar variation 3688723 (VCV003688723.2).